The following is an entry in ClinVar:

NM_006218.4(PIK3CA):c.1892A>G (p.Tyr631Cys)

Gene: PIK3CA (phosphatidylinositol-4,5-bisphosphate 3-kinase catalytic subunit alpha; plus strand). Cytogenetic location: 3q26.32.
Variant type: single nucleotide variant.
Coding change: c.1892A>G on transcript NM_006218.4 (MANE Select); coding-DNA position 1892, A replaced by G.
Protein change: p.Tyr631Cys; replaces tyrosine 631 with cysteine.
Molecular consequence: missense variant.
Genome position (GRCh38, 1-based): chr3:179,219,716, A>G. VCF-style: chr3-179219716-A-G. GRCh37 (hg19) VCF-style: chr3-178937504-A-G.
Other names: short protein forms Y631C.
Identifiers: ClinVar variation 3932385 (VCV003932385.1).

ClinVar aggregate classification (germline): Uncertain significance (1 of 4 stars; one submission).

Conditions:
Inborn genetic diseases. Identifiers: MedGen C0950123, MeSH D030342.

Submission:

Ambry Genetics
Classification: Uncertain significance for Inborn genetic diseases. Last evaluated: 2025-03-17. Review status: criteria provided, single submitter. Criteria: Ambry Variant Classification Scheme 2023. Collection method: clinical testing. Allele origin: germline.
Comment: The p.Y631C variant (also known as c.1892A>G), located in coding exon 11 of the PIK3CA gene, results from an A to G substitution at nucleotide position 1892. The tyrosine at codon 631 is replaced by cysteine, an amino acid with highly dissimilar properties. This amino acid position is conserved. In addition, this alteration is predicted to be deleterious by in silico analysis. Based on the available evidence, the clinical significance of this variant remains unclear.